The following is an entry in ClinVar:

NM_213655.5(WNK1):c.2740A>G (p.Ser914Gly)

Gene: WNK1 (WNK lysine deficient protein kinase 1; plus strand). Cytogenetic location: 12p13.33.
Variant type: single nucleotide variant.
Coding change: c.2740A>G on transcript NM_213655.5 (MANE Plus Clinical); coding-DNA position 2740, A replaced by G.
Protein change: p.Ser914Gly; replaces serine 914 with glycine.
Molecular consequence: missense variant. On other transcripts: intron variant (2).
Genome position (GRCh38, 1-based): chr12:868,211, A>G. VCF-style: chr12-868211-A-G. GRCh37 (hg19) VCF-style: chr12-977377-A-G.
Other names: c.2485A>G, p.Ser829Gly (NM_001184985.2); c.2140-3054A>G (NM_018979.4, NM_014823.3); short protein forms S829G, S914G.
Identifiers: ClinVar variation 4789464 (VCV004789464.1).

ClinVar aggregate classification (germline): Uncertain significance (1 of 4 stars; one submission).

Conditions:
Neuropathy, hereditary sensory and autonomic, type 2A (HSAN2A). Also called: WNK1-Related HSAN2 (HSAN2A); ACROOSTEOLYSIS, GIACCAI TYPE; ACROOSTEOLYSIS, NEUROGENIC; MORVAN DISEASE; NEUROPATHY, CONGENITAL SENSORY; NEUROPATHY, HEREDITARY SENSORY RADICULAR, AUTOSOMAL RECESSIVE. Identifiers: Orphanet 970, MedGen C2752089, MONDO:0024309, OMIM 201300.
Pseudohypoaldosteronism type 2C (PHA2C). Also called: Pseudohypoaldosteronism Type IIC. Identifiers: Orphanet 757, Orphanet 88940, MedGen C1840391, MONDO:0013778, OMIM 614492.

Submission:

Labcorp Genetics (formerly Invitae), Labcorp
Classification: Uncertain significance for Neuropathy, hereditary sensory and autonomic, type 2A; Pseudohypoaldosteronism type 2C. Last evaluated: 2025-05-01. Review status: criteria provided, single submitter. Criteria: Invitae Variant Classification Sherloc (09022015). Collection method: clinical testing. Allele origin: germline.
Comment: This sequence change replaces serine, which is neutral and polar, with glycine, which is neutral and non-polar, at codon 914 of the WNK1 protein (p.Ser914Gly). This variant is not present in population databases (gnomAD no frequency). This variant has not been reported in the literature in individuals affected with WNK1-related conditions. Invitae Evidence Modeling of protein sequence and biophysical properties (such as structural, functional, and spatial information, amino acid conservation, physicochemical variation, residue mobility, and thermodynamic stability) indicates that this missense variant is not expected to disrupt WNK1 protein function with a negative predictive value of 95%. In summary, the available evidence is currently insufficient to determine the role of this variant in disease. Therefore, it has been classified as a Variant of Uncertain Significance.